The following is an entry in ClinVar:

ClinVar aggregate classification (germline): Pathogenic (1 of 4 stars; one submission).

Conditions:
Proximal myopathy with extrapyramidal signs. Also called: Myopathy with extrapyramidal signs. Identifiers: Orphanet 401768, MedGen C3810285, MONDO:0014300, OMIM 615673.

Submission:

Wales Gene Park, Division Of Cancer and Genetics, Cardiff University
Classification: Pathogenic for Proximal myopathy with extrapyramidal signs. Last evaluated: 2026-04-28. Review status: criteria provided, single submitter. Criteria: ACGS Best Practice Guidelines for Variant Classification in Rare Disease 2024. Collection method: research. Allele origin: inherited. Inheritance: Autosomal recessive inheritance. Affected: yes. Study: 100,000 Genomes Project (Wales).
Comment: Causes deletion of MICU1 exons 4 and 5 (NM_006077.3). Evidence codes: PVS1, PM2.

NC_000010.11:g.72528587_72554246del

Gene: MICU1 (mitochondrial calcium uptake 1; minus strand). Cytogenetic location: 10q22.1.
Variant type: Deletion.
Identifiers: ClinVar variation 4880198 (VCV004880198.1).